The following is an entry in ClinVar:

NM_201384.3(PLEC):c.12159C>T (p.Ile4053=)

Gene: PLEC (plectin; minus strand). Cytogenetic location: 8q24.3.
Variant type: single nucleotide variant.
Coding change: c.12159C>T on transcript NM_201384.3 (MANE Select); coding-DNA position 12159, C replaced by T.
Protein change: p.Ile4053=; no amino-acid change (isoleucine 4053 retained).
Molecular consequence: synonymous variant.
Genome position (GRCh38, 1-based): chr8:143,917,662, G>A on the plus strand (C>T on the coding strand, the complement: PLEC is on the minus strand). VCF-style: chr8-143917662-G-A. GRCh37 (hg19) VCF-style: chr8-144991830-G-A.
Other names: c.12240C>T (NM_000445.4); c.12240C>T, p.Ile4080= (NM_000445.5); c.12117C>T, p.Ile4039= (NM_201378.4); c.12093C>T, p.Ile4031= (NM_201379.3); c.12570C>T, p.Ile4190= (NM_201380.4); c.12063C>T, p.Ile4021= (NM_201381.3); c.12159C>T, p.Ile4053= (NM_201382.4); c.12171C>T, p.Ile4057= (NM_201383.3).
Identifiers: ClinVar variation 1649003 (VCV001649003.14), dbSNP rs782773458, ClinGen allele CA4924166.

ClinVar aggregate classification (germline): Likely benign. Review status: criteria provided, multiple submitters, no conflicts (2 of 4 stars). 4 submissions from 4 submitters: Likely benign (4). Last evaluated 2026-03-01.

Conditions:
PLEC-related disorder. Also called: PLEC-related disorders; PLEC-related condition.
Epidermolysis bullosa simplex 5B, with muscular dystrophy (EBS5B). Also called: EPIDERMOLYSIS BULLOSA SIMPLEX AND LIMB-GIRDLE MUSCULAR DYSTROPHY; Epidermolysis bullosa simplex with muscular dystrophy. Identifiers: Orphanet 257, MedGen C2931072, MONDO:0009181, OMIM 226670.
Epidermolysis bullosa simplex 5C, with pyloric atresia (EBS5C). Also called: PLEC-Related Epidermolysis Bullosa with Pyloric Atresia; Epidermolysis bullosa simplex with pyloric atresia; PLEC1-Related Epidermolysis Bullosa with Pyloric Atresia. Identifiers: Orphanet 158684, MedGen C2677349, MONDO:0012807, OMIM 612138.
Epidermolysis bullosa simplex with nail dystrophy (EBS5D). Identifiers: MedGen C4225309, MONDO:0014661, OMIM 616487.
Autosomal recessive limb-girdle muscular dystrophy type 2Q (LGMDR17). Also called: MUSCULAR DYSTROPHY, LIMB-GIRDLE, AUTOSOMAL RECESSIVE 17. Identifiers: Orphanet 254361, MedGen C3150989, MONDO:0013390, OMIM 613723.
Epidermolysis bullosa simplex, Ogna type (EBS5A). Also called: Pidermolysis bullosa simplex 5A, Ogna type; EPIDERMOLYSIS BULLOSA SIMPLEX 5A, OGNA TYPE. Identifiers: Orphanet 79401, MedGen C0432317, MONDO:0007555, OMIM 131950.

Allele frequency attached by ClinVar (database versions not stated): gnomAD 0.00001; ExAC 0.00002; gnomAD exomes 0.00002; TOPMed 0.00003.
gnomAD v4.1: 28 of 1,613,498 alleles (0.0017%); highest among the groups gnomAD compares: Admixed American, 0.005%; no homozygotes.

Submissions (4):

CeGaT Center for Human Genetics Tuebingen
Classification: Likely benign. Last evaluated: 2026-03-01. Review status: criteria provided, single submitter. Criteria: CeGaT Center For Human Genetics Tuebingen Variant Classification Criteria Version 2. Collection method: clinical testing. Allele origin: germline. Affected: yes. Observed: 1 variant allele.
Comment: PLEC: BP4, BP7

Labcorp Genetics (formerly Invitae), Labcorp
Classification: Likely benign for Autosomal recessive limb-girdle muscular dystrophy type 2Q; Epidermolysis bullosa simplex, Ogna type; Epidermolysis bullosa simplex with nail dystrophy; Epidermolysis bullosa simplex 5C, with pyloric atresia; Epidermolysis bullosa simplex 5B, with muscular dystrophy. Last evaluated: 2025-07-05. Review status: criteria provided, single submitter. Criteria: Invitae Variant Classification Sherloc (09022015). Collection method: clinical testing. Allele origin: germline.

PreventionGenetics, part of Exact Sciences
Classification: Likely benign for PLEC-related condition. Last evaluated: 2025-01-22. Review status: criteria provided, single submitter. Criteria: ACMG Guidelines, 2015. Collection method: clinical testing. Allele origin: germline.
Comment: This variant is classified as likely benign based on ACMG/AMP sequence variant interpretation guidelines (Richards et al. 2015 PMID: 25741868, with internal and published modifications).

Blueprint Genetics
Classification: Likely benign. Last evaluated: 2023-01-20. Review status: criteria provided, single submitter. Criteria: ACMG Guidelines, 2015. Collection method: clinical testing. Allele origin: germline.